The following is an entry in ClinVar:

NM_024649.5(BBS1):c.54G>A (p.Glu18=)

Gene: BBS1 (Bardet-Biedl syndrome 1; plus strand). Cytogenetic location: 11q13.2.
Variant type: single nucleotide variant.
Coding change: c.54G>A on transcript NM_024649.5 (MANE Select); coding-DNA position 54, G replaced by A.
Protein change: p.Glu18=; no amino-acid change (glutamic acid 18 retained).
Molecular consequence: synonymous variant.
Genome position (GRCh38, 1-based): chr11:66,511,019, G>A. VCF-style: chr11-66511019-G-A. GRCh37 (hg19) VCF-style: chr11-66278490-G-A.
Identifiers: ClinVar variation 531837 (VCV000531837.17), dbSNP rs761128852, ClinGen allele CA6123225.
Genomic context (GRCh38, chr11:66,511,019, plus strand): 5'-TTTTTTTCCCCTCCCATGGGACTCACTCCCCAACTGTCTTTCCCCCACTTCCAGCAATGA[G>A]GCCAATTCGAAGTGGTTGGATGCGCACTACGACCCAATGGCCAATATCCACACCTTTTCT-3'
Protein context (NP_078925.3, residues 8-28): DSDACGAESN[Glu18=]ANSKWLDAHY

ClinVar aggregate classification (germline): Likely benign. Review status: criteria provided, multiple submitters, no conflicts (2 of 4 stars). 4 submissions from 4 submitters: Likely benign (3). 1 of the submissions does not count toward it. Last evaluated 2025-04-23.

Conditions:
Bardet-Biedl syndrome 1 (BBS1). Identifiers: MedGen C2936862, MONDO:0008854, OMIM 209900. Disease mechanism: loss of function.
BBS1-related disorder. Also called: BBS1-related condition.
Bardet-Biedl syndrome (BBS). Identifiers: Orphanet 110, MedGen C0752166, MONDO:0015229.

Allele frequency attached by ClinVar (database versions not stated): ExAC 0.00001; gnomAD exomes 0.00005 and 0.00017; TOPMed 0.00007; gnomAD 0.00009.
gnomAD v4.1: 257 of 1,614,044 alleles (0.016%); highest among the groups gnomAD compares: Non-Finnish European, 0.021%; no homozygotes.

Submissions (4):

Labcorp Genetics (formerly Invitae), Labcorp
Classification: Likely benign for Bardet-Biedl syndrome. Last evaluated: 2025-04-23. Review status: criteria provided, single submitter. Criteria: Invitae Variant Classification Sherloc (09022015). Collection method: clinical testing. Allele origin: germline.

Blueprint Genetics
Classification: Likely benign. Last evaluated: 2024-09-23. Review status: criteria provided, single submitter. Criteria: ACMG Guidelines, 2015. Collection method: clinical testing. Allele origin: germline.

Fulgent Genetics
Classification: Likely benign for Bardet-Biedl syndrome 1. Last evaluated: 2021-09-28. Review status: criteria provided, single submitter. Criteria: ACMG Guidelines, 2015. Collection method: clinical testing. Allele origin: unknown.

PreventionGenetics, part of Exact Sciences
Classification: Likely benign for BBS1-related condition. Last evaluated: 2020-10-13. Review status: no assertion criteria provided. Collection method: clinical testing. Allele origin: germline. Not counted in ClinVar's aggregate classification.
Comment: This variant is classified as likely benign based on ACMG/AMP sequence variant interpretation guidelines (Richards et al. 2015 PMID: 25741868, with internal and published modifications).